The following is an entry in ClinVar:

NM_021930.6(RINT1):c.169T>A (p.Ser57Thr)

Gene: RINT1 (RAD50 interactor 1; plus strand). Cytogenetic location: 7q22.3.
Variant type: single nucleotide variant.
Coding change: c.169T>A on transcript NM_021930.6 (MANE Select); coding-DNA position 169, T replaced by A.
Protein change: p.Ser57Thr; replaces serine 57 with threonine.
Molecular consequence: missense variant. On other transcripts: 5 prime UTR variant (3), non-coding transcript variant (1), intron variant (1).
Genome position (GRCh38, 1-based): chr7:105,536,645, T>A. VCF-style: chr7-105536645-T-A. GRCh37 (hg19) VCF-style: chr7-105177092-T-A.
Other names: c.-851T>A (NM_001346600.2); c.-754T>A (NM_001346601.2); c.-374T>A (NM_001346603.2); c.39+33T>A (NM_001346599.2); short protein forms S57T.
Identifiers: ClinVar variation 1046320 (VCV001046320.12), dbSNP rs202129129, ClinGen allele CA164046980.
Genomic context (GRCh38, chr7:105,536,645, plus strand): 5'-CTTATTGGAAGTAAACAAGTCAGTGAAGGTACAGATAATGGTGATCTCCCTTCTTATGTG[T>A]CTGCATTCATAGAAAAGGAAGTTGGAAATGACCTTAAATCTTTAAAGAAACTTGATAAAC-3'
Protein context (NP_068749.3, residues 47-67): TDNGDLPSYV[Ser57Thr]AFIEKEVGND

ClinVar aggregate classification (germline): Uncertain significance. Review status: criteria provided, multiple submitters, no conflicts (2 of 4 stars). 2 submissions from 2 submitters: Uncertain significance (2). Last evaluated 2025-03-06.

Allele frequency attached by ClinVar (database versions not stated): gnomAD exomes below 0.00001.
gnomAD v4.1: 1 of 1,612,774 alleles (0.000062%); highest among the groups gnomAD compares: Non-Finnish European, 0.000085%; no homozygotes.

Submissions (2):

Ambry Genetics
Classification: Uncertain significance. Last evaluated: 2025-03-06. Review status: criteria provided, single submitter. Criteria: Ambry Variant Classification Scheme 2023. Collection method: clinical testing. Allele origin: germline.
Comment: The p.S57T variant (also known as c.169T>A), located in coding exon 3 of the RINT1 gene, results from a T to A substitution at nucleotide position 169. The serine at codon 57 is replaced by threonine, an amino acid with similar properties. This amino acid position is conserved. In addition, this alteration is predicted to be tolerated by in silico analysis. Since supporting evidence is limited at this time, the clinical significance of this alteration remains unclear.

Labcorp Genetics (formerly Invitae), Labcorp
Classification: Uncertain significance. Last evaluated: 2018-05-18. Review status: criteria provided, single submitter. Criteria: Invitae Variant Classification Sherloc (09022015). Collection method: clinical testing. Allele origin: germline.
Comment: In summary, the available evidence is currently insufficient to determine the role of this variant in disease. Therefore, it has been classified as a Variant of Uncertain Significance. Algorithms developed to predict the effect of missense changes on protein structure and function (SIFT, PolyPhen-2, Align-GVGD) all suggest that this variant is likely to be tolerated, but these predictions have not been confirmed by published functional studies and their clinical significance is uncertain. This variant has not been reported in the literature in individuals with RINT1-related disease. This variant is not present in population databases (ExAC no frequency). This sequence change replaces serine with threonine at codon 57 of the RINT1 protein (p.Ser57Thr). The serine residue is moderately conserved and there is a small physicochemical difference between serine and threonine.